The following is an entry in ClinVar:

NM_001164665.2(KIAA1549):c.3901G>A (p.Val1301Ile)

Gene: KIAA1549 (KIAA1549; minus strand). Cytogenetic location: 7q34.
Variant type: single nucleotide variant.
Coding change: c.3901G>A on transcript NM_001164665.2 (MANE Select); coding-DNA position 3901, G replaced by A.
Protein change: p.Val1301Ile; replaces valine 1301 with isoleucine.
Molecular consequence: missense variant.
Genome position (GRCh38, 1-based): chr7:138,894,473, C>T on the plus strand (G>A on the coding strand, the complement: KIAA1549 is on the minus strand). VCF-style: chr7-138894473-C-T. GRCh37 (hg19) VCF-style: chr7-138579219-C-T.
Other names: c.3901G>A, p.Val1301Ile (NM_020910.3); short protein forms V1301I.
Identifiers: ClinVar variation 2077273 (VCV002077273.4), dbSNP rs535108551, ClinGen allele CA369380507.

ClinVar aggregate classification (germline): Uncertain significance (1 of 4 stars; one submission).

Allele frequency attached by ClinVar (database versions not stated): gnomAD exomes below 0.00001.
gnomAD v4.1: 5 of 1,613,914 alleles (0.00031%); highest among the groups gnomAD compares: Non-Finnish European, 0.00034%; no homozygotes.

Submission:

Labcorp Genetics (formerly Invitae), Labcorp
Classification: Uncertain significance. Last evaluated: 2022-01-07. Review status: criteria provided, single submitter. Criteria: Invitae Variant Classification Sherloc (09022015). Collection method: clinical testing. Allele origin: germline.
Comment: This sequence change replaces valine, which is neutral and non-polar, with isoleucine, which is neutral and non-polar, at codon 1301 of the KIAA1549 protein (p.Val1301Ile). This variant is not present in population databases (gnomAD no frequency). In summary, the available evidence is currently insufficient to determine the role of this variant in disease. Therefore, it has been classified as a Variant of Uncertain Significance. Algorithms developed to predict the effect of missense changes on protein structure and function output the following: SIFT: "Tolerated"; PolyPhen-2: "Benign"; Align-GVGD: "Class C0". The isoleucine amino acid residue is found in multiple mammalian species, which suggests that this missense change does not adversely affect protein function. This variant has not been reported in the literature in individuals affected with KIAA1549-related conditions.